The following is an entry in ClinVar:

NM_002103.5(GYS1):c.1246A>G (p.Met416Val)

Gene: GYS1 (glycogen synthase 1; minus strand). Cytogenetic location: 19q13.33.
Variant type: single nucleotide variant.
Coding change: c.1246A>G on transcript NM_002103.5 (MANE Select); coding-DNA position 1246, A replaced by G.
Protein change: p.Met416Val; replaces methionine 416 with valine.
Molecular consequence: missense variant. On other transcripts: non-coding transcript variant (1).
Genome position (GRCh38, 1-based): chr19:48,977,986, T>C on the plus strand (A>G on the coding strand, the complement: GYS1 is on the minus strand). VCF-style: chr19-48977986-T-C. GRCh37 (hg19) VCF-style: chr19-49481243-T-C.
Other names: c.1054A>G, p.Met352Val (NM_001161587.2); short protein forms M416V, M352V.
Identifiers: ClinVar variation 329814 (VCV000329814.19), dbSNP rs5447, ClinGen allele CA9563020.
Genomic context (GRCh38, chr19:48,977,986, plus strand): 5'-GCGTTGCAAAGATGGCTCTCTTCATCATAGTGAAGTCTTCCTTATCCAGCATCTTGTTCA[T>C]GTCGGGAAGGCTCCCACTGCAAGGCAAGCAGGGGCATGCATGTGAGAACGGAGTAATGAG-3'
Protein context (NP_002094.2, residues 406-426): ESLLVGSLPD[Met416Val]NKMLDKEDFT

ClinVar aggregate classification (germline): Benign/Likely benign. Review status: criteria provided, multiple submitters, no conflicts (2 of 4 stars). 6 submissions from 6 submitters: Benign (4); Likely benign (2). Last evaluated 2026-02-01.

Conditions:
Glycogen storage disease due to muscle and heart glycogen synthase deficiency. Also called: GSD 0b; MUSCLE GLYCOGEN SYNTHASE DEFICIENCY. Identifiers: Orphanet 137625, MedGen C1969054, MONDO:0012693, OMIM 611556.

Allele frequency attached by ClinVar (database versions not stated): ESP Exome Variant Server 0.00730; TOPMed 0.01067; gnomAD 0.01369 and 0.01497; ExAC 0.01873; gnomAD exomes 0.01896; 1000 Genomes Project 30x 0.03107; 1000 Genomes Project 0.03315.

Submissions (6):

Labcorp Genetics (formerly Invitae), Labcorp
Classification: Benign for Glycogen storage disease due to muscle and heart glycogen synthase deficiency. Last evaluated: 2026-02-01. Review status: criteria provided, single submitter. Criteria: Invitae Variant Classification Sherloc (09022015). Collection method: clinical testing. Allele origin: germline.

Mayo Clinic Laboratories, Mayo Clinic
Classification: Benign. Last evaluated: 2021-05-06. Review status: criteria provided, single submitter. Criteria: ACMG Guidelines, 2015. Collection method: clinical testing. Allele origin: germline. Observed: 18 variant alleles.

Eurofins Ntd Llc (ga)
Classification: Benign. Last evaluated: 2017-08-17. Review status: criteria provided, single submitter. Criteria: EGL Classification Definitions 2015. Collection method: clinical testing. Allele origin: germline. Observed: 1 variant allele, 1 heterozygote.

Illumina Laboratory Services, Illumina
Classification: Likely benign for Glycogen storage disease due to muscle and heart glycogen synthase deficiency. Last evaluated: 2017-04-27. Review status: criteria provided, single submitter. Criteria: ICSL Variant Classification Criteria 13 December 2019. Collection method: clinical testing. Allele origin: germline.
Comment: This variant was observed as part of a predisposition screen in an ostensibly healthy population. A literature search was performed for the gene, cDNA change, and amino acid change (where applicable). Publications were found based on this search. The evidence from the literature, in combination with allele frequency data from public databases where available, was sufficient to determine this variant is unlikely to cause disease. Therefore, this variant is classified as likely benign.

GeneDx
Classification: Benign. Last evaluated: 2016-06-06. Review status: criteria provided, single submitter. Criteria: GeneDx Variant Classification (06012015). Collection method: clinical testing. Allele origin: germline. Affected: yes.
Comment: This variant is considered likely benign or benign based on one or more of the following criteria: it is a conservative change, it occurs at a poorly conserved position in the protein, it is predicted to be benign by multiple in silico algorithms, and/or has population frequency not consistent with disease.

Breakthrough Genomics
Classification: Likely benign. Review status: criteria provided, single submitter. Criteria: ACMG Guidelines, 2015. Collection method: not provided. Allele origin: germline. Inheritance: Autosomal recessive inheritance. Affected: yes.

Literature cited by the submitters: PubMed 10102713 (cited by Illumina Laboratory Services, Illumina); PubMed 9267990 (cited by Illumina Laboratory Services, Illumina); PubMed 9389424 (cited by Illumina Laboratory Services, Illumina).